The following is an entry in ClinVar:

NM_000051.4(ATM):c.2270G>T (p.Gly757Val)

Gene: ATM (ATM serine/threonine kinase; plus strand). Cytogenetic location: 11q22.3.
Variant type: single nucleotide variant.
Coding change: c.2270G>T on transcript NM_000051.4 (MANE Select); coding-DNA position 2270, G replaced by T.
Protein change: p.Gly757Val; replaces glycine 757 with valine.
Molecular consequence: missense variant.
Genome position (GRCh38, 1-based): chr11:108,257,500, G>T. VCF-style: chr11-108257500-G-T. GRCh37 (hg19) VCF-style: chr11-108128227-G-T.
Other names: c.2270G>T, p.Gly757Val (NM_001351834.2); short protein forms G757V.
Identifiers: ClinVar variation 820995 (VCV000820995.14), dbSNP rs375091571, ClinGen allele CA382539616.

ClinVar aggregate classification (germline): Uncertain significance. Review status: criteria provided, multiple submitters, no conflicts (2 of 4 stars). 3 submissions from 3 submitters: Uncertain significance (3). Last evaluated 2024-09-24.

Conditions:
Hereditary cancer-predisposing syndrome. Also called: Hereditary Cancer Syndrome; Neoplastic Syndromes, Hereditary; Hereditary neoplastic syndrome; Tumor predisposition. Identifiers: Orphanet 140162, MedGen C0027672, MeSH D009386, MONDO:0015356.
Ataxia-telangiectasia syndrome (AT). Also called: Cerebello-oculocutaneous telangiectasia; Immunodeficiency with ataxia telangiectasia; Ataxia-telangiectasia, complementation group E; Ataxia-telangiectasia, complementation group D; AT, COMPLEMENTATION GROUP C; ATAXIA-TELANGIECTASIA, COMPLEMENTATION GROUP A. Identifiers: Orphanet 100, MedGen C0004135, MONDO:0008840, OMIM 208900.
Familial cancer of breast. Also called: Hereditary breast cancer; hereditary breast carcinoma; BREAST CANCER, FAMILIAL. Identifiers: Orphanet 227535, MedGen C0346153, MONDO:0016419, OMIM 114480. Disease mechanism: loss of function.

Allele frequency attached by ClinVar (database versions not stated): gnomAD exomes below 0.00001.
gnomAD v4.1: 2 of 1,613,234 alleles (0.00012%); highest among the groups gnomAD compares: African/African-American, 0.0013%; no homozygotes.

Submissions (3):

Ambry Genetics
Classification: Uncertain significance for Hereditary cancer-predisposing syndrome. Last evaluated: 2024-09-24. Review status: criteria provided, single submitter. Criteria: Ambry Variant Classification Scheme 2023. Collection method: clinical testing. Allele origin: germline.
Comment: The p.G757V variant (also known as c.2270G>T), located in coding exon 14 of the ATM gene, results from a G to T substitution at nucleotide position 2270. The glycine at codon 757 is replaced by valine, an amino acid with dissimilar properties. This amino acid position is highly conserved in available vertebrate species. In addition, this alteration is predicted to be deleterious by in silico analysis. Based on the available evidence, the clinical significance of this variant remains unclear.

Baylor Genetics
Classification: Uncertain significance for Familial cancer of breast. Last evaluated: 2023-05-08. Review status: criteria provided, single submitter. Criteria: ACMG Guidelines, 2015. Collection method: clinical testing. Allele origin: unknown.

Labcorp Genetics (formerly Invitae), Labcorp
Classification: Uncertain significance for Ataxia-telangiectasia syndrome. Last evaluated: 2022-10-25. Review status: criteria provided, single submitter. Criteria: Invitae Variant Classification Sherloc (09022015). Collection method: clinical testing. Allele origin: germline.
Comment: This sequence change replaces glycine, which is neutral and non-polar, with valine, which is neutral and non-polar, at codon 757 of the ATM protein (p.Gly757Val). This variant is not present in population databases (gnomAD no frequency). This variant has not been reported in the literature in individuals affected with ATM-related conditions. ClinVar contains an entry for this variant (Variation ID: 820995). Algorithms developed to predict the effect of missense changes on protein structure and function are either unavailable or do not agree on the potential impact of this missense change (SIFT: "Deleterious"; PolyPhen-2: "Probably Damaging"; Align-GVGD: "Class C15"). Algorithms developed to predict the effect of sequence changes on RNA splicing suggest that this variant may disrupt the consensus splice site. In summary, the available evidence is currently insufficient to determine the role of this variant in disease. Therefore, it has been classified as a Variant of Uncertain Significance.